The following is an entry in ClinVar:

ClinVar aggregate classification (germline): Uncertain significance (1 of 4 stars; one submission).

Conditions:
Epilepsy. Also called: Seizure disorder. Identifiers: MedGen C0014544, MeSH D004827, MONDO:0005027.

Submission:

Labcorp Genetics (formerly Invitae), Labcorp
Classification: Uncertain significance for Epilepsy. Last evaluated: 2024-02-17. Review status: criteria provided, single submitter. Criteria: Invitae Variant Classification Sherloc (09022015). Collection method: clinical testing. Allele origin: germline.
Comment: This sequence change replaces valine, which is neutral and non-polar, with alanine, which is neutral and non-polar, at codon 366 of the PIGQ protein (p.Val366Ala). This variant is not present in population databases (gnomAD no frequency). This variant has not been reported in the literature in individuals affected with PIGQ-related conditions. ClinVar contains an entry for this variant (Variation ID: 1446042). An algorithm developed to predict the effect of missense changes on protein structure and function (PolyPhen-2) suggests that this variant is likely to be tolerated. In summary, the available evidence is currently insufficient to determine the role of this variant in disease. Therefore, it has been classified as a Variant of Uncertain Significance.

NM_004204.5(PIGQ):c.1097T>C (p.Val366Ala)

Gene: PIGQ (phosphatidylinositol glycan anchor biosynthesis class Q; plus strand). Cytogenetic location: 16p13.3.
Variant type: single nucleotide variant.
Coding change: c.1097T>C on transcript NM_004204.5 (MANE Select); coding-DNA position 1097, T replaced by C.
Protein change: p.Val366Ala; replaces valine 366 with alanine.
Molecular consequence: missense variant.
Genome position (GRCh38, 1-based): chr16:578,812, T>C. VCF-style: chr16-578812-T-C. GRCh37 (hg19) VCF-style: chr16-628812-T-C.
Other names: c.1097T>C, p.Val366Ala (NM_148920.4); short protein forms V366A.
Identifiers: ClinVar variation 1446042 (VCV001446042.6), dbSNP rs2151047289, ClinGen allele CA394056698.